The following is an entry in ClinVar:

NM_000612.6(IGF2):c.221G>C (p.Ser74Thr)

Genes: IGF2 (insulin like growth factor 2; minus strand), INS-IGF2 (INS-IGF2 readthrough; minus strand). Cytogenetic location: 11p15.5.
Variant type: single nucleotide variant.
Coding change: c.221G>C on transcript NM_000612.6 (MANE Select); coding-DNA position 221, G replaced by C.
Protein change: p.Ser74Thr; replaces serine 74 with threonine.
Molecular consequence: missense variant. On other transcripts: non-coding transcript variant (1).
Genome position (GRCh38, 1-based): chr11:2,133,602, C>G on the plus strand (G>C on the coding strand, the complement: IGF2 is on the minus strand). VCF-style: chr11-2133602-C-G. GRCh37 (hg19) VCF-style: chr11-2154832-C-G.
Other names: c.221G>C, p.Ser74Thr (NM_001007139.6, NM_001291861.3, NM_001291862.3); c.389G>C, p.Ser130Thr (NM_001127598.3); short protein forms S130T, S74T.
Identifiers: ClinVar variation 3360772 (VCV003360772.1).

ClinVar aggregate classification (germline): Uncertain significance (1 of 4 stars; one submission).

Submission:

GeneDx
Classification: Uncertain significance. Last evaluated: 2023-07-03. Review status: criteria provided, single submitter. Criteria: GeneDx Variant Classification Process June 2021. Collection method: clinical testing. Allele origin: germline. Affected: yes.
Comment: Not observed at significant frequency in large population cohorts (gnomAD); In silico analysis supports that this missense variant does not alter protein structure/function; Has not been previously published as pathogenic or benign to our knowledge